The following is an entry in ClinVar:

ClinVar aggregate classification (germline): Uncertain significance. Review status: criteria provided, multiple submitters, no conflicts (2 of 4 stars). 2 submissions from 2 submitters: Uncertain significance (2). Last evaluated 2025-01-02.

Conditions:
Inborn genetic diseases. Identifiers: MedGen C0950123, MeSH D030342.

Allele frequency attached by ClinVar (database versions not stated): gnomAD exomes 0.00001; TOPMed 0.00002; ExAC 0.00001; gnomAD 0.00001.
gnomAD v4.1: 20 of 1,612,720 alleles (0.0012%); highest among the groups gnomAD compares: South Asian, 0.0044%; no homozygotes.

Submissions (2):

Ambry Genetics
Classification: Uncertain significance for Inborn genetic diseases. Last evaluated: 2025-01-02. Review status: criteria provided, single submitter. Criteria: Ambry Variant Classification Scheme 2023. Collection method: clinical testing. Allele origin: germline.

Labcorp Genetics (formerly Invitae), Labcorp
Classification: Uncertain significance. Last evaluated: 2022-04-20. Review status: criteria provided, single submitter. Criteria: Invitae Variant Classification Sherloc (09022015). Collection method: clinical testing. Allele origin: germline.
Comment: This sequence change replaces threonine, which is neutral and polar, with methionine, which is neutral and non-polar, at codon 657 of the COL13A1 protein (p.Thr657Met). This variant is present in population databases (rs752607534, gnomAD 0.003%). This variant has not been reported in the literature in individuals affected with COL13A1-related conditions. Algorithms developed to predict the effect of missense changes on protein structure and function output the following: SIFT: "Tolerated"; PolyPhen-2: "Probably Damaging"; Align-GVGD: "Class C0". The methionine amino acid residue is found in multiple mammalian species, which suggests that this missense change does not adversely affect protein function. In summary, the available evidence is currently insufficient to determine the role of this variant in disease. Therefore, it has been classified as a Variant of Uncertain Significance.

NM_001368882.1(COL13A1):c.2003C>T (p.Thr668Met)

Gene: COL13A1 (collagen type XIII alpha 1 chain; plus strand). Cytogenetic location: 10q22.1.
Variant type: single nucleotide variant.
Coding change: c.2003C>T on transcript NM_001368882.1 (MANE Select); coding-DNA position 2003, C replaced by T.
Protein change: p.Thr668Met; replaces threonine 668 with methionine.
Molecular consequence: missense variant.
Genome position (GRCh38, 1-based): chr10:69,945,705, C>T. VCF-style: chr10-69945705-C-T. GRCh37 (hg19) VCF-style: chr10-71705461-C-T.
Other names: c.1970C>T, p.Thr657Met (NM_001130103.2); c.1859C>T, p.Thr620Met (NM_001320951.2); c.1880C>T, p.Thr627Met (NM_001368883.1); c.1817C>T, p.Thr606Met (NM_001368884.1); c.1781C>T, p.Thr594Met (NM_001368885.1); c.1259C>T, p.Thr420Met (NM_001368886.1); c.1790C>T, p.Thr597Met (NM_001368895.1); c.1712C>T, p.Thr571Met (NM_001368896.1); and 8 more; short protein forms T571M, T594M, T606M, T626M, T657M, T668M, T579M, T588M.
Identifiers: ClinVar variation 1938800 (VCV001938800.3), dbSNP rs752607534, ClinGen allele CA5535040.